The following is an entry in ClinVar:

NM_152328.5(ADSS1):c.1041A>G (p.Leu347=)

Gene: ADSS1 (adenylosuccinate synthase 1; plus strand). Cytogenetic location: 14q32.33.
Variant type: single nucleotide variant.
Coding change: c.1041A>G on transcript NM_152328.5 (MANE Select); coding-DNA position 1041, A replaced by G.
Protein change: p.Leu347=; no amino-acid change (leucine 347 retained).
Molecular consequence: synonymous variant.
Genome position (GRCh38, 1-based): chr14:104,743,159, A>G. VCF-style: chr14-104743159-A-G. GRCh37 (hg19) VCF-style: chr14-105209496-A-G.
Other names: c.426A>G, p.Leu142= (NM_001320424.1); c.1170A>G, p.Leu390= (NM_199165.2).
Identifiers: ClinVar variation 714552 (VCV000714552.11), dbSNP rs147370332, ClinGen allele CA7373984.
Genomic context (GRCh38, chr14:104,743,159, plus strand): 5'-CGAGTGGGGAGTGACCACAGGCAGGAAGAGGCGCTGCGGCTGGCTCGACCTGATGATTCT[A>G]AGATATGCTCACATGGTCAACGGATTCACTGCGTAAGCAACCCATGCTGCCATCCCCACT-3'
Protein context (NP_689541.1, residues 337-357): RRCGWLDLMI[Leu347=]RYAHMVNGFT

ClinVar aggregate classification (germline): Likely benign. Review status: criteria provided, multiple submitters, no conflicts (2 of 4 stars). 3 submissions from 3 submitters: Likely benign (2). 1 of the submissions does not count toward it. Last evaluated 2026-08-01.

Conditions:
ADSS1-related disorder. Also called: ADSS1-related condition.

Allele frequency attached by ClinVar (database versions not stated): 1000 Genomes Project 30x 0.00016; 1000 Genomes Project 0.00020; TOPMed 0.00041; gnomAD 0.00042; gnomAD exomes 0.00049 and 0.00076; ExAC 0.00052; ESP Exome Variant Server 0.00100.
gnomAD v4.1: 1,158 of 1,612,284 alleles (0.072%); highest among the groups gnomAD compares: Non-Finnish European, 0.094%; 1 homozygote.

Submissions (3):

CeGaT Center for Human Genetics Tuebingen
Classification: Likely benign. Last evaluated: 2026-08-01. Review status: criteria provided, single submitter. Criteria: CeGaT Center For Human Genetics Tuebingen Variant Classification Criteria Version 2. Collection method: clinical testing. Allele origin: germline. Affected: yes. Observed: 2 variant alleles.
Comment: ADSS1: BP4, BP7

Labcorp Genetics (formerly Invitae), Labcorp
Classification: Likely benign. Last evaluated: 2025-12-03. Review status: criteria provided, single submitter. Criteria: Invitae Variant Classification Sherloc (09022015). Collection method: clinical testing. Allele origin: germline.

PreventionGenetics, part of Exact Sciences
Classification: Likely benign for ADSS1-related condition. Last evaluated: 2024-09-27. Review status: no assertion criteria provided. Collection method: clinical testing. Allele origin: germline. Not counted in ClinVar's aggregate classification.
Comment: This variant is classified as likely benign based on ACMG/AMP sequence variant interpretation guidelines (Richards et al. 2015 PMID: 25741868, with internal and published modifications).